The following is an entry in ClinVar:

ClinVar aggregate classification (germline): Uncertain significance (1 of 4 stars; one submission).

Conditions:
Developmental and epileptic encephalopathy, 9 (DEE9). Also called: EPILEPSY, FEMALE-RESTRICTED, WITH MENTAL RETARDATION; Early infantile epileptic encephalopathy 9; JUBERG-HELLMAN SYNDROME; PCDH19-Related X-Linked Female-Limited Epilepsy with Mental Retardation. Identifiers: Orphanet 101039, Orphanet 2076, MedGen C1848137, MONDO:0010246, OMIM 300088. Disease mechanism: loss of function.

Allele frequency attached by ClinVar (database versions not stated): gnomAD exomes below 0.00001.
gnomAD v4.1: 1 of 1,208,083 alleles (0.000083%); highest among the groups gnomAD compares: Admixed American, 0.0022%; no homozygotes.

Submission:

Labcorp Genetics (formerly Invitae), Labcorp
Classification: Uncertain significance for Developmental and epileptic encephalopathy, 9. Last evaluated: 2022-09-20. Review status: criteria provided, single submitter. Criteria: Invitae Variant Classification Sherloc (09022015). Collection method: clinical testing. Allele origin: germline.
Comment: In summary, the available evidence is currently insufficient to determine the role of this variant in disease. Therefore, it has been classified as a Variant of Uncertain Significance. Algorithms developed to predict the effect of sequence changes on RNA splicing suggest that this variant may create or strengthen a splice site. Advanced modeling of protein sequence and biophysical properties (such as structural, functional, and spatial information, amino acid conservation, physicochemical variation, residue mobility, and thermodynamic stability) performed at Invitae indicates that this missense variant is not expected to disrupt PCDH19 protein function. This variant has not been reported in the literature in individuals affected with PCDH19-related conditions. This variant is not present in population databases (gnomAD no frequency). This sequence change replaces glutamine, which is neutral and polar, with arginine, which is basic and polar, at codon 732 of the PCDH19 protein (p.Gln732Arg).

NM_001184880.2(PCDH19):c.2195A>G (p.Gln732Arg)

Gene: PCDH19 (protocadherin 19; minus strand). Cytogenetic location: Xq22.1.
Variant type: single nucleotide variant.
Coding change: c.2195A>G on transcript NM_001184880.2 (MANE Select); coding-DNA position 2195, A replaced by G.
Protein change: p.Gln732Arg; replaces glutamine 732 with arginine.
Molecular consequence: missense variant. On other transcripts: intron variant (2).
Genome position (GRCh38, 1-based): chrX:100,403,617, T>C on the plus strand (A>G on the coding strand, the complement: PCDH19 is on the minus strand). VCF-style: chrX-100403617-T-C. GRCh37 (hg19) VCF-style: chrX-99658615-T-C.
Other names: c.2148-766A>G (NM_020766.3, NM_001105243.2); short protein forms Q732R.
Identifiers: ClinVar variation 1719857 (VCV001719857.6), dbSNP rs2520963639, ClinGen allele CA414007169.